The following is an entry in ClinVar:

ClinVar aggregate classification (germline): Uncertain significance (1 of 4 stars; one submission).

Allele frequency attached by ClinVar (database versions not stated): gnomAD exomes below 0.00001.
gnomAD v4.1: 1 of 1,614,066 alleles (0.000062%); highest among the groups gnomAD compares: Non-Finnish European, 0.000085%; no homozygotes.

Submission:

GeneDx
Classification: Uncertain significance. Last evaluated: 2022-04-04. Review status: criteria provided, single submitter. Criteria: GeneDx Variant Classification Process June 2021. Collection method: clinical testing. Allele origin: germline. Affected: yes.
Comment: Has not been previously published as pathogenic or benign to our knowledge; Not observed at significant frequency in large population cohorts (gnomAD); In silico analysis supports that this missense variant does not alter protein structure/function

NM_000393.5(COL5A2):c.2647T>A (p.Ser883Thr)

Gene: COL5A2 (collagen type V alpha 2 chain; minus strand). Cytogenetic location: 2q32.2.
Variant type: single nucleotide variant.
Coding change: c.2647T>A on transcript NM_000393.5 (MANE Select); coding-DNA position 2647, T replaced by A.
Protein change: p.Ser883Thr; replaces serine 883 with threonine.
Molecular consequence: missense variant.
Genome position (GRCh38, 1-based): chr2:189,052,925, A>T on the plus strand (T>A on the coding strand, the complement: COL5A2 is on the minus strand). VCF-style: chr2-189052925-A-T. GRCh37 (hg19) VCF-style: chr2-189917651-A-T.
Other names: short protein forms S883T.
Identifiers: ClinVar variation 1708940 (VCV001708940.2), dbSNP rs2469261621, ClinGen allele CA349870933.